The following is an entry in ClinVar:

ClinVar aggregate classification (germline): Pathogenic. Review status: criteria provided, multiple submitters, no conflicts (2 of 4 stars). 2 submissions from 2 submitters: Pathogenic (2). Last evaluated 2026-08-19.

Conditions:
Hereditary cancer-predisposing syndrome. Also called: Neoplastic Syndromes, Hereditary; Tumor predisposition; Hereditary Cancer Syndrome; Hereditary neoplastic syndrome. Identifiers: Orphanet 140162, MedGen C0027672, MeSH D009386, MONDO:0015356.
Birt-Hogg-Dube syndrome 1 (BHD1). Also called: FIBROFOLLICULOMAS WITH TRICHODISCOMAS AND ACROCHORDONS. Identifiers: Orphanet 122, MedGen CN375946, MONDO:0800445, OMIM 135150.

Submissions (2):

Ambry Genetics
Classification: Pathogenic for Hereditary cancer-predisposing syndrome. Last evaluated: 2026-08-19. Review status: criteria provided, single submitter. Criteria: Ambry Variant Classification Scheme 2023. Collection method: clinical testing. Allele origin: germline.
Comment: The c.1270_1279del10 pathogenic mutation, located in coding exon 8 of the FLCN gene, results from a deletion of 10 nucleotides at nucleotide positions 1270 to 1279, causing a translational frameshift with a predicted alternate stop codon (p.V424Pfs*41). This variant is considered to be rare based on population cohorts in the Genome Aggregation Database (gnomAD). This alteration is expected to result in loss of function by premature protein truncation or nonsense-mediated mRNA decay. As such, this alteration is interpreted as a disease-causing mutation.

Myriad Genetics, Inc.
Classification: Pathogenic for Birt-Hogg-Dube syndrome 1. Last evaluated: 2026-02-24. Review status: criteria provided, single submitter. Criteria: Myriad Autosomal Dominant, Autosomal Recessive and X-Linked Classification Criteria (2023). Collection method: clinical testing. Allele origin: unknown.
Comment: This variant is considered pathogenic. This variant creates a frameshift predicted to result in premature protein truncation.

NM_144997.7(FLCN):c.1270_1279del (p.Val424fs)

Gene: FLCN (folliculin; minus strand). Cytogenetic location: 17p11.2.
Variant type: Deletion.
Coding change: c.1270_1279del on transcript NM_144997.7 (MANE Select); coding-DNA positions 1270 to 1279, 10 bases deleted (GTGCAGATCC; older notation c.1270_1279delGTGCAGATCC).
Protein change: p.Val424fs; shifts the reading frame from valine 424.
Molecular consequence: frameshift variant.
Genome position (GRCh38, 1-based): chr17:17,216,401-17,216,410, GGATCTGCAC deleted on the plus strand (GTGCAGATCC on the coding strand, the reverse complement: FLCN is on the minus strand); deleting any 10 consecutive bases within chr17:17,216,401-17,216,411 gives the same sequence; the c. name uses the placement nearest the transcript's 3' end. VCF-style (leftmost placement, unchanged base first): chr17-17216400-GGGATCTGCAC-G. GRCh37 (hg19) VCF-style: chr17-17119714-GGGATCTGCAC-G.
Other names: c.1324_1333del, p.Val442fs (NM_001353229.2); c.1270_1279del, p.Val424fs (NM_001353230.2, NM_001353231.2); c.1270_1279del10 (NM_144997.5); short protein forms V424fs, V442fs.
Identifiers: ClinVar variation 4856748 (VCV004856748.2).